The following is an entry in ClinVar:

ClinVar aggregate classification (germline): Uncertain significance. Review status: criteria provided, multiple submitters, no conflicts (2 of 4 stars). 2 submissions from 2 submitters: Uncertain significance (2). Last evaluated 2023-05-30.

Conditions:
Familial adenomatous polyposis 1 (FAP1). Also called: FAMILIAL ADENOMATOUS POLYPOSIS 1, ATTENUATED; POLYPOSIS, ADENOMATOUS INTESTINAL. Identifiers: MedGen C2713442, MONDO:0021056, OMIM 175100. Disease mechanism: loss of function.

Submissions (2):

Baylor Genetics
Classification: Uncertain significance for Familial adenomatous polyposis 1. Last evaluated: 2023-05-30. Review status: criteria provided, single submitter. Criteria: ACMG Guidelines, 2015. Collection method: clinical testing. Allele origin: unknown.

Labcorp Genetics (formerly Invitae), Labcorp
Classification: Uncertain significance for Familial adenomatous polyposis 1. Last evaluated: 2020-11-06. Review status: criteria provided, single submitter. Criteria: Invitae Variant Classification Sherloc (09022015). Collection method: clinical testing. Allele origin: germline.
Comment: This variant is not present in population databases (ExAC no frequency). This variant has not been reported in the literature in individuals with APC-related conditions. Algorithms developed to predict the effect of missense changes on protein structure and function (SIFT, PolyPhen-2, Align-GVGD) all suggest that this variant is likely to be disruptive, but these predictions have not been confirmed by published functional studies and their clinical significance is uncertain. In summary, the available evidence is currently insufficient to determine the role of this variant in disease. Therefore, it has been classified as a Variant of Uncertain Significance. This sequence change replaces lysine with glutamine at codon 2413 of the APC protein (p.Lys2413Gln). The lysine residue is highly conserved and there is a small physicochemical difference between lysine and glutamine.

NM_000038.6(APC):c.7237A>C (p.Lys2413Gln)

Gene: APC (APC regulator of Wnt signaling pathway; plus strand). Cytogenetic location: 5q22.2.
Variant type: single nucleotide variant.
Coding change: c.7237A>C on transcript NM_000038.6 (MANE Select); coding-DNA position 7237, A replaced by C.
Protein change: p.Lys2413Gln; replaces lysine 2413 with glutamine.
Molecular consequence: missense variant.
Genome position (GRCh38, 1-based): chr5:112,842,831, A>C. VCF-style: chr5-112842831-A-C. GRCh37 (hg19) VCF-style: chr5-112178528-A-C.
Other names: c.7237A>C, p.Lys2413Gln (NM_001127510.3, NM_001354895.2); c.7183A>C, p.Lys2395Gln (NM_001127511.3); c.7291A>C, p.Lys2431Gln (NM_001354896.2); c.7267A>C, p.Lys2423Gln (NM_001354897.2); c.7162A>C, p.Lys2388Gln (NM_001354898.2); c.7153A>C, p.Lys2385Gln (NM_001354899.2); c.7114A>C, p.Lys2372Gln (NM_001354900.2); c.7060A>C, p.Lys2354Gln (NM_001354901.2); and 5 more; short protein forms K2253Q, K2287Q, K2385Q, K2395Q, K2130Q, K2372Q, K2388Q, K2423Q.
Identifiers: ClinVar variation 1410486 (VCV001410486.9), dbSNP rs767780960, ClinGen allele CA16037094.